The following is an entry in ClinVar:

NM_007217.4(PDCD10):c.301C>T (p.Gln101Ter)

Gene: PDCD10 (programmed cell death 10; minus strand). Cytogenetic location: 3q26.1.
Variant type: single nucleotide variant.
Coding change: c.301C>T on transcript NM_007217.4 (MANE Select); coding-DNA position 301, C replaced by T.
Protein change: p.Gln101Ter; replaces glutamine 101 with a stop codon.
Molecular consequence: nonsense.
Genome position (GRCh38, 1-based): chr3:167,695,690, G>A on the plus strand (C>T on the coding strand, the complement: PDCD10 is on the minus strand). VCF-style: chr3-167695690-G-A. GRCh37 (hg19) VCF-style: chr3-167413478-G-A.
Other names: c.301C>T, p.Gln101Ter (NM_145859.2, NM_145860.2); short protein forms Q101*.
Identifiers: ClinVar variation 468329 (VCV000468329.8), dbSNP rs1303470125, ClinGen allele CA355154601.

ClinVar aggregate classification (germline): Pathogenic (1 of 4 stars; one submission).

Conditions:
Cerebral cavernous malformation 3. Also called: Familial Cerebral Cavernous Malformation 3. Identifiers: Orphanet 221061, MedGen C1864040, MONDO:0011305, OMIM 603285.

Submission:

Labcorp Genetics (formerly Invitae), Labcorp
Classification: Pathogenic for Cerebral cavernous malformation 3. Last evaluated: 2024-02-17. Review status: criteria provided, single submitter. Criteria: Invitae Variant Classification Sherloc (09022015). Collection method: clinical testing. Allele origin: germline.
Comment: This sequence change creates a premature translational stop signal (p.Gln101*) in the PDCD10 gene. It is expected to result in an absent or disrupted protein product. Loss-of-function variants in PDCD10 are known to be pathogenic (PMID: 15543491, 18300272, 23801932). This variant is not present in population databases (gnomAD no frequency). This premature translational stop signal has been observed in individual(s) with PDCD10-related conditions (Invitae). ClinVar contains an entry for this variant (Variation ID: 468329). For these reasons, this variant has been classified as Pathogenic.

Literature cited by the submitters: PubMed 15543491; PubMed 18300272; PubMed 23801932.